The following is an entry in ClinVar:

ClinVar aggregate classification (germline): Uncertain significance (1 of 4 stars; one submission).

Submission:

GeneDx
Classification: Uncertain significance. Last evaluated: 2022-07-27. Review status: criteria provided, single submitter. Criteria: GeneDx Variant Classification Process June 2021. Collection method: clinical testing. Allele origin: germline. Affected: yes.
Comment: Not observed at significant frequency in large population cohorts (gnomAD); In silico analysis supports that this missense variant has a deleterious effect on protein structure/function; Has not been previously published as pathogenic or benign to our knowledge

NM_001127644.2(GABRA1):c.982C>G (p.Leu328Val)

Gene: GABRA1 (gamma-aminobutyric acid type A receptor subunit alpha1; plus strand). Cytogenetic location: 5q34.
Variant type: single nucleotide variant.
Coding change: c.982C>G on transcript NM_001127644.2 (MANE Select); coding-DNA position 982, C replaced by G.
Protein change: p.Leu328Val; replaces leucine 328 with valine.
Molecular consequence: missense variant.
Genome position (GRCh38, 1-based): chr5:161,895,791, C>G. VCF-style: chr5-161895791-C-G. GRCh37 (hg19) VCF-style: chr5-161322797-C-G.
Other names: c.982C>G, p.Leu328Val (NM_000806.5, NM_001127643.2, NM_001127645.2 and 1 more transcripts); short protein forms L328V.
Identifiers: ClinVar variation 2413038 (VCV002413038.3), dbSNP rs2532292275, ClinGen allele CA362180335.
Genomic context (GRCh38, chr5:161,895,791, plus strand): 5'-GCTTATGCAACAGCTATGGATTGGTTTATTGCCGTGTGCTATGCCTTTGTGTTCTCAGCT[C>G]TGATTGAGTTTGCCACAGTAAACTATTTCACTAAGAGAGGTTATGCATGGGATGGCAAAA-3'
Protein context (NP_001121116.1, residues 318-338): AVCYAFVFSA[Leu328Val]IEFATVNYFT